The following is an entry in ClinVar:

ClinVar aggregate classification (germline): Uncertain significance (1 of 4 stars; one submission).

Conditions:
Desmin-related myofibrillar myopathy (MFM1). Also called: MYOFIBRILLAR MYOPATHY WITH ARRHYTHMOGENIC RIGHT VENTRICULAR CARDIOMYOPATHY; DESMIN-RELATED MYOPATHY WITH ARRHYTHMOGENIC RIGHT VENTRICULAR CARDIOMYOPATHY; Desminopathy; Desmin related myopathy (former name); Desmin storage myopathy (former name); Myofibrillar myopathy 1. Identifiers: Orphanet 363543, Orphanet 98909, MedGen C1832370, MONDO:0011076, OMIM 601419.

gnomAD v4.1: 1 of 1,582,912 alleles (0.000063%); highest among the groups gnomAD compares: Non-Finnish European, 0.000086%; no homozygotes.

Submission:

Labcorp Genetics (formerly Invitae), Labcorp
Classification: Uncertain significance for Desmin-related myofibrillar myopathy. Last evaluated: 2025-05-03. Review status: criteria provided, single submitter. Criteria: Invitae Variant Classification Sherloc (09022015). Collection method: clinical testing. Allele origin: germline.
Comment: This sequence change replaces phenylalanine, which is neutral and non-polar, with leucine, which is neutral and non-polar, at codon 128 of the DES protein (p.Phe128Leu). This variant is not present in population databases (gnomAD no frequency). This variant has not been reported in the literature in individuals affected with DES-related conditions. ClinVar contains an entry for this variant (Variation ID: 3751336). Invitae Evidence Modeling of protein sequence and biophysical properties (such as structural, functional, and spatial information, amino acid conservation, physicochemical variation, residue mobility, and thermodynamic stability) has been performed for this missense variant. However, the output from this modeling did not meet the statistical confidence thresholds required to predict the impact of this variant on DES protein function. In summary, the available evidence is currently insufficient to determine the role of this variant in disease. Therefore, it has been classified as a Variant of Uncertain Significance.

NM_001927.4(DES):c.382T>C (p.Phe128Leu)

Gene: DES (desmin; plus strand). Cytogenetic location: 2q35.
Variant type: single nucleotide variant.
Coding change: c.382T>C on transcript NM_001927.4 (MANE Select); coding-DNA position 382, T replaced by C.
Protein change: p.Phe128Leu; replaces phenylalanine 128 with leucine.
Molecular consequence: missense variant.
Genome position (GRCh38, 1-based): chr2:219,418,844, T>C. VCF-style: chr2-219418844-T-C. GRCh37 (hg19) VCF-style: chr2-220283566-T-C.
Other names: c.382T>C, p.Phe128Leu (NM_001382708.1, NM_001382709.1, NM_001382710.1 and 3 more transcripts); short protein forms F128L.
Identifiers: ClinVar variation 3751336 (VCV003751336.2).